The following is an entry in ClinVar:

NM_003737.4(DCHS1):c.2974G>C (p.Gly992Arg)

Gene: DCHS1 (dachsous cadherin-related 1; minus strand). Cytogenetic location: 11p15.4.
Variant type: single nucleotide variant.
Coding change: c.2974G>C on transcript NM_003737.4 (MANE Select); coding-DNA position 2974, G replaced by C.
Protein change: p.Gly992Arg; replaces glycine 992 with arginine.
Molecular consequence: missense variant.
Genome position (GRCh38, 1-based): chr11:6,632,538, C>G on the plus strand (G>C on the coding strand, the complement: DCHS1 is on the minus strand). VCF-style: chr11-6632538-C-G. GRCh37 (hg19) VCF-style: chr11-6653769-C-G.
Other names: short protein forms G992R.
Identifiers: ClinVar variation 2060487 (VCV002060487.6), dbSNP rs764357544, ClinGen allele CA5860625.
Genomic context (GRCh38, chr11:6,632,538, plus strand): 5'-CTGAGGGCAGGTCCACACGGTAGGTAGGGCTGTTGAATCGGGGAGCCAGCCCACGGGTTC[C>G]CACATCCTGTACCACCACCCGTAGTCGAAAGTGGCTGGTGCGTGGTGGGGAGCCCCCATC-3'
Protein context (NP_003728.1, residues 982-1002): FRLRVVVQDV[Gly992Arg]TRGLAPRFNS

ClinVar aggregate classification (germline): Uncertain significance. Review status: criteria provided, multiple submitters, no conflicts (2 of 4 stars). 2 submissions from 2 submitters: Uncertain significance (2). Last evaluated 2026-01-19.

Conditions:
Inborn genetic diseases. Identifiers: MedGen C0950123, MeSH D030342.

Allele frequency attached by ClinVar (database versions not stated): ExAC 0.00002; TOPMed 0.00002; gnomAD 0.00003.
gnomAD v4.1: 15 of 1,532,016 alleles (0.00098%); highest among the groups gnomAD compares: Non-Finnish European, 0.0012%; no homozygotes.

Submissions (2):

Labcorp Genetics (formerly Invitae), Labcorp
Classification: Uncertain significance. Last evaluated: 2026-01-19. Review status: criteria provided, single submitter. Criteria: Invitae Variant Classification Sherloc (09022015). Collection method: clinical testing. Allele origin: germline.
Comment: This sequence change replaces glycine, which is neutral and non-polar, with arginine, which is basic and polar, at codon 992 of the DCHS1 protein (p.Gly992Arg). This variant is present in population databases (rs764357544, gnomAD 0.003%). This variant has not been reported in the literature in individuals affected with DCHS1-related conditions. ClinVar contains an entry for this variant (Variation ID: 2060487). Invitae Evidence Modeling of protein sequence and biophysical properties (such as structural, functional, and spatial information, amino acid conservation, physicochemical variation, residue mobility, and thermodynamic stability) indicates that this missense variant is not expected to disrupt DCHS1 protein function with a negative predictive value of 80%. In summary, the available evidence is currently insufficient to determine the role of this variant in disease. Therefore, it has been classified as a Variant of Uncertain Significance.

Ambry Genetics
Classification: Uncertain significance for Inborn genetic diseases. Last evaluated: 2025-08-11. Review status: criteria provided, single submitter. Criteria: Ambry Variant Classification Scheme 2023. Collection method: clinical testing. Allele origin: germline.